The following is an entry in ClinVar:

ClinVar aggregate classification (germline): Uncertain significance (1 of 4 stars; one submission).

gnomAD v4.1: 1 of 1,582,448 alleles (0.000063%); highest among the groups gnomAD compares: East Asian, 0.0022%; no homozygotes.

Submission:

Labcorp Genetics (formerly Invitae), Labcorp
Classification: Uncertain significance. Last evaluated: 2024-10-03. Review status: criteria provided, single submitter. Criteria: Invitae Variant Classification Sherloc (09022015). Collection method: clinical testing. Allele origin: germline.
Comment: This sequence change replaces tryptophan, which is neutral and slightly polar, with arginine, which is basic and polar, at codon 267 of the CLCC1 protein (p.Trp267Arg). This variant is not present in population databases (gnomAD no frequency). This variant has not been reported in the literature in individuals affected with CLCC1-related conditions. An algorithm developed to predict the effect of missense changes on protein structure and function (PolyPhen-2) suggests that this variant is likely to be disruptive. In summary, the available evidence is currently insufficient to determine the role of this variant in disease. Therefore, it has been classified as a Variant of Uncertain Significance.

NM_001377458.1(CLCC1):c.799T>C (p.Trp267Arg)

Gene: CLCC1 (chloride channel CLIC like 1; minus strand). Cytogenetic location: 1p13.3.
Variant type: single nucleotide variant.
Coding change: c.799T>C on transcript NM_001377458.1 (MANE Select); coding-DNA position 799, T replaced by C.
Protein change: p.Trp267Arg; replaces tryptophan 267 with arginine.
Molecular consequence: missense variant. On other transcripts: non-coding transcript variant (1), intron variant (1).
Genome position (GRCh38, 1-based): chr1:108,940,140, A>G on the plus strand (T>C on the coding strand, the complement: CLCC1 is on the minus strand). VCF-style: chr1-108940140-A-G. GRCh37 (hg19) VCF-style: chr1-109482762-A-G.
Other names: c.799T>C, p.Trp267Arg (NM_001048210.3, NM_001377459.1, NM_001377460.1 and 8 more transcripts); c.436T>C, p.Trp146Arg (NM_001278202.2); c.697T>C, p.Trp233Arg (NM_001377469.1); c.508T>C, p.Trp170Arg (NM_001377470.1); c.649T>C, p.Trp217Arg (NM_015127.5); c.340-358T>C (NM_001278203.1); short protein forms W146R, W233R, W170R, W217R, W267R.
Identifiers: ClinVar variation 3658045 (VCV003658045.2).